The following is an entry in ClinVar:

NM_003995.4(NPR2):c.2390T>C (p.Ile797Thr)

Gene: NPR2 (natriuretic peptide receptor 2; plus strand). Cytogenetic location: 9p13.3.
Variant type: single nucleotide variant.
Coding change: c.2390T>C on transcript NM_003995.4 (MANE Select); coding-DNA position 2390, T replaced by C.
Protein change: p.Ile797Thr; replaces isoleucine 797 with threonine.
Molecular consequence: missense variant.
Genome position (GRCh38, 1-based): chr9:35,806,409, T>C. VCF-style: chr9-35806409-T-C. GRCh37 (hg19) VCF-style: chr9-35806406-T-C.
Other names: c.2399T>C, p.Ile800Thr (NM_001378923.1); short protein forms I800T, I797T.
Identifiers: ClinVar variation 2106202 (VCV002106202.4), dbSNP rs2491063629, ClinGen allele CA373379612.
Genomic context (GRCh38, chr9:35,806,409, plus strand): 5'-TTCAGAATCTTAGAGCAAGTGCCTTATCCTGGCCTCCCTCTAGGGAGGGTGGCACCAGCA[T>C]ATTGGACAACCTCCTGCTGCGCATGGAACAGTATGCCAATAACTTGGAGAAGCTGGTGGA-3'
Protein context (NP_003986.2, residues 787-807): RRFNKEGGTS[Ile797Thr]LDNLLLRMEQ

ClinVar aggregate classification (germline): Uncertain significance (1 of 4 stars; one submission).

Conditions:
Acromesomelic dysplasia 1, Maroteaux type (AMD1). Also called: ST. HELENA DYSPLASIA; ACROMESOMELIC DYSPLASIA 1. Identifiers: Orphanet 40, MedGen C1864356, MONDO:0011275, OMIM 602875.
Tall stature-scoliosis-macrodactyly of the great toes syndrome. Also called: Epiphyseal chondrodysplasia, miura type. Identifiers: Orphanet 329191, MedGen C4014690, MONDO:0014401, OMIM 615923.

Submission:

Labcorp Genetics (formerly Invitae), Labcorp
Classification: Uncertain significance for Tall stature-scoliosis-macrodactyly of the great toes syndrome; Acromesomelic dysplasia 1, Maroteaux type. Last evaluated: 2022-11-19. Review status: criteria provided, single submitter. Criteria: Invitae Variant Classification Sherloc (09022015). Collection method: clinical testing. Allele origin: germline.
Comment: In summary, the available evidence is currently insufficient to determine the role of this variant in disease. Therefore, it has been classified as a Variant of Uncertain Significance. Advanced modeling of protein sequence and biophysical properties (such as structural, functional, and spatial information, amino acid conservation, physicochemical variation, residue mobility, and thermodynamic stability) performed at Invitae indicates that this missense variant is expected to disrupt NPR2 protein function. This variant has not been reported in the literature in individuals affected with NPR2-related conditions. This variant is not present in population databases (gnomAD no frequency). This sequence change replaces isoleucine, which is neutral and non-polar, with threonine, which is neutral and polar, at codon 797 of the NPR2 protein (p.Ile797Thr).